The following is an entry in ClinVar:

ClinVar aggregate classification (germline): Benign/Likely benign. Review status: criteria provided, multiple submitters, no conflicts (2 of 4 stars). 4 submissions from 4 submitters: Benign (2); Likely benign (2). Last evaluated 2025-09-01.

Conditions:
Inborn genetic diseases. Identifiers: MedGen C0950123, MeSH D030342.

Submissions (4):

CeGaT Center for Human Genetics Tuebingen
Classification: Benign. Last evaluated: 2025-09-01. Review status: criteria provided, single submitter. Criteria: CeGaT Center For Human Genetics Tuebingen Variant Classification Criteria Version 2. Collection method: clinical testing. Allele origin: germline. Affected: yes. Observed: 4 variant alleles.
Comment: SMARCA2: BS1, BS2

Blueprint Genetics
Classification: Likely benign. Last evaluated: 2024-11-19. Review status: criteria provided, single submitter. Criteria: ACMG Guidelines, 2015. Collection method: clinical testing. Allele origin: germline.

GeneDx
Classification: Benign. Last evaluated: 2021-04-15. Review status: criteria provided, single submitter. Criteria: GeneDx Variant Classification Process June 2021. Collection method: clinical testing. Allele origin: germline. Affected: yes.

Ambry Genetics
Classification: Likely benign for Inborn genetic diseases. Last evaluated: 2018-06-20. Review status: criteria provided, single submitter. Criteria: Ambry Variant Classification Scheme 2023. Collection method: clinical testing. Allele origin: germline.

NM_003070.5(SMARCA2):c.669GCA[17] (p.Gln238_Pro239insGlnGlnGlnGln)

Gene: SMARCA2 (SWI/SNF related BAF chromatin remodeling complex subunit ATPase 2; plus strand). Cytogenetic location: 9p24.3.
Variant type: Microsatellite.
Coding change: c.669GCA[17] on transcript NM_003070.5 (MANE Select); 17 copies in a row of the 3-base unit GCA starting at c.669; the reference has 13 copies in a row; four copies, 12 bases duplicated.
Protein change: p.Gln238_Pro239insGlnGlnGlnGln.
Molecular consequence: inframe insertion. On other transcripts: inframe indel (1).
Genome position (GRCh38, 1-based): chr9:2,039,806-2,039,817, GCAGCAGCAGCA duplicated; duplicating any 12 consecutive bases within chr9:2,039,777-2,039,817 gives the same sequence; the position shown is the placement nearest the transcript's 3' end. VCF-style (leftmost placement, unchanged base first): chr9-2039776-A-ACAGCAGCAGCAG. GRCh37 (hg19) VCF-style: chr9-2039776-A-ACAGCAGCAGCAG.
Other names: c.696_707dupGCAGCAGCAGCA (NM_003070.3); c.669_671GCA[17], p.Gln238_Pro239insGlnGlnGlnGln (NM_001289396.2); c.669GCA[17], p.Gln238_Pro239insGlnGlnGlnGln (NM_001289397.2, NM_139045.4).
Identifiers: ClinVar variation 588473 (VCV000588473.30), dbSNP rs113070757, ClinGen allele CA862005472.